The following is an entry in ClinVar:

NM_001386298.1(CIC):c.3187_3188del (p.Ser1063fs)

Gene: CIC (capicua transcriptional repressor; plus strand). Cytogenetic location: 19q13.2.
Variant type: Microsatellite.
Coding change: c.3187_3188del on transcript NM_001386298.1 (MANE Select); coding-DNA positions 3187 to 3188, 2 bases deleted (TC; older notation c.3187_3188delTC).
Protein change: p.Ser1063fs; shifts the reading frame from serine 1063.
Molecular consequence: frameshift variant.
Genome position (GRCh38, 1-based): chr19:42,287,327-42,287,328, TC deleted; deleting any 2 consecutive bases within chr19:42,287,324-42,287,328 gives the same sequence; the c. name uses the placement nearest the transcript's 3' end. VCF-style (leftmost placement, unchanged base first): chr19-42287323-CCT-C. GRCh37 (hg19) VCF-style: chr19-42791475-CCT-C.
Other names: c.460_461del, p.Ser154fs (NM_015125.5, NM_001379484.1, NM_001379485.1 and 3 more transcripts); c.3187_3188del, p.Ser1063fs (NM_001304815.2, NM_001379480.1, NM_001379482.1 and 6 more transcripts); short protein forms S1063fs, S154fs.
Identifiers: ClinVar variation 4292612 (VCV004292612.1).

ClinVar aggregate classification (germline): Likely pathogenic (1 of 4 stars; one submission).

Conditions:
Intellectual developmental disorder, autosomal dominant 45. Also called: MENTAL RETARDATION, AUTOSOMAL DOMINANT 45; Intellectual disability, autosomal dominant 45. Identifiers: MedGen C4539848, MONDO:0030910, OMIM 617600.

Submission:

3billion
Classification: Likely pathogenic for Intellectual developmental disorder, autosomal dominant 45. Last evaluated: 2024-07-24. Review status: criteria provided, single submitter. Criteria: ACMG Guidelines, 2015. Collection method: clinical testing. Allele origin: germline. Affected: yes.
Comment: The variant is not observed in the gnomAD v4.0.0 dataset. Predicted Consequence/Location: Frameshift: predicted to result in a loss or disruption of normal protein function through nonsense-mediated decay (NMD) or protein truncation. Multiple pathogenic variants are reported downstream of the variant. Therefore, this variant is classified as Likely pathogenic according to the recommendation of ACMG/AMP guideline.